The following is an entry in ClinVar:

ClinVar aggregate classification (germline): Uncertain significance. Review status: criteria provided, multiple submitters, no conflicts (2 of 4 stars). 2 submissions from 2 submitters: Uncertain significance (2). Last evaluated 2024-11-01.

Conditions:
Inborn genetic diseases. Identifiers: MedGen C0950123, MeSH D030342.

Allele frequency attached by ClinVar (database versions not stated): gnomAD 0.00013; TOPMed 0.00014; ESP Exome Variant Server 0.00015; ExAC 0.00016; 1000 Genomes Project 0.00020; gnomAD exomes 0.00022; 1000 Genomes Project 30x 0.00031.
gnomAD v4.1: 352 of 1,612,482 alleles (0.022%); highest among the groups gnomAD compares: Middle Eastern, 0.45%; 1 homozygote.

Submissions (2):

CeGaT Center for Human Genetics Tuebingen
Classification: Uncertain significance. Last evaluated: 2024-11-01. Review status: criteria provided, single submitter. Criteria: CeGaT Center For Human Genetics Tuebingen Variant Classification Criteria Version 2. Collection method: clinical testing. Allele origin: germline. Affected: yes. Observed: 1 variant allele.

Ambry Genetics
Classification: Uncertain significance for Inborn genetic diseases. Last evaluated: 2021-05-10. Review status: criteria provided, single submitter. Criteria: Ambry Variant Classification Scheme 2023. Collection method: clinical testing. Allele origin: germline.
Comment: Unlikely to be causative of autosomal dominant KDM5B-related neurodevelopmental disorder (AD) Based on insufficient or conflicting evidence, the clinical significance of this alteration remains unclear.

NM_006618.5(KDM5B):c.4494T>A (p.Asp1498Glu)

Gene: KDM5B (lysine demethylase 5B; minus strand). Cytogenetic location: 1q32.1.
Variant type: single nucleotide variant.
Coding change: c.4494T>A on transcript NM_006618.5 (MANE Select); coding-DNA position 4494, T replaced by A.
Protein change: p.Asp1498Glu; replaces aspartic acid 1498 with glutamic acid.
Molecular consequence: missense variant.
Genome position (GRCh38, 1-based): chr1:202,729,710, A>T on the plus strand (T>A on the coding strand, the complement: KDM5B is on the minus strand). VCF-style: chr1-202729710-A-T. GRCh37 (hg19) VCF-style: chr1-202698838-A-T.
Other names: c.4602T>A, p.Asp1534Glu (NM_001314042.2); c.4359T>A, p.Asp1453Glu (NM_001347591.2); c.4479T>A, p.Asp1493Glu (NM_001399817.1); short protein forms D1534E, D1453E, D1493E, D1498E.
Identifiers: ClinVar variation 2378079 (VCV002378079.16), dbSNP rs200575696, ClinGen allele CA1333948.